The following is an entry in ClinVar:

ClinVar aggregate classification (germline): Uncertain significance. Review status: criteria provided, multiple submitters, no conflicts (2 of 4 stars). 2 submissions from 2 submitters: Uncertain significance (2). Last evaluated 2026-08-29.

Conditions:
Hereditary cancer-predisposing syndrome. Also called: Hereditary Cancer Syndrome; Tumor predisposition; Hereditary neoplastic syndrome; Neoplastic Syndromes, Hereditary. Identifiers: Orphanet 140162, MedGen C0027672, MeSH D009386, MONDO:0015356.

Allele frequency attached by ClinVar (database versions not stated): TOPMed below 0.00001; gnomAD exomes below 0.00001.
gnomAD v4.1: 1 of 1,613,986 alleles (0.000062%); highest among the groups gnomAD compares: Non-Finnish European, 0.000085%; no homozygotes.

Submissions (2):

Ambry Genetics
Classification: Uncertain significance for Hereditary cancer-predisposing syndrome. Last evaluated: 2026-08-29. Review status: criteria provided, single submitter. Criteria: Ambry Variant Classification Scheme 2023. Collection method: clinical testing. Allele origin: germline.
Comment: The p.L326V variant (also known as c.976C>G), located in coding exon 8 of the BMPR1A gene, results from a C to G substitution at nucleotide position 976. The leucine at codon 326 is replaced by valine, an amino acid with highly similar properties. This amino acid position is conserved. In addition, the in silico prediction for this alteration is inconclusive. Based on the available evidence, the clinical significance of this variant remains unclear.

Color Diagnostics, LLC DBA Color Health
Classification: Uncertain significance for Hereditary cancer-predisposing syndrome. Last evaluated: 2024-03-06. Review status: criteria provided, single submitter. Criteria: ACMG Guidelines, 2015. Collection method: clinical testing. Allele origin: germline.
Comment: This missense variant replaces leucine with valine at codon 326 of the BMPR1A protein. Computational prediction is inconclusive regarding the impact of this variant on protein structure and function (internally defined REVEL score threshold 0.5 < inconclusive < 0.7, PMID: 27666373). To our knowledge, functional studies have not been reported for this variant. This variant has not been reported in individuals affected with hereditary cancer in the literature. This variant has not been identified in the general population by the Genome Aggregation Database (gnomAD). The available evidence is insufficient to determine the role of this variant in disease conclusively. Therefore, this variant is classified as a Variant of Uncertain Significance.

NM_004329.3(BMPR1A):c.976C>G (p.Leu326Val)

Gene: BMPR1A (bone morphogenetic protein receptor type 1A; plus strand). Cytogenetic location: 10q23.2.
Variant type: single nucleotide variant.
Coding change: c.976C>G on transcript NM_004329.3 (MANE Select); coding-DNA position 976, C replaced by G.
Protein change: p.Leu326Val; replaces leucine 326 with valine.
Molecular consequence: missense variant.
Genome position (GRCh38, 1-based): chr10:86,919,279, C>G. VCF-style: chr10-86919279-C-G. GRCh37 (hg19) VCF-style: chr10-88679036-C-G.
Other names: short protein forms L326V.
Identifiers: ClinVar variation 491023 (VCV000491023.7), dbSNP rs1554891050, ClinGen allele CA377460361.